The following is an entry in ClinVar:

ClinVar aggregate classification (germline): Conflicting classifications of pathogenicity. Review status: criteria provided, conflicting classifications (1 of 4 stars). 3 submissions from 3 submitters: Uncertain significance (1); Benign (1); Likely benign (1). Last evaluated 2024-07-19.

Conditions:
Long QT syndrome (LQTS). Identifiers: MedGen C0023976, MeSH D008133, MONDO:0002442. Disease mechanism: loss of function. Inheritance: Various modes of inheritance.
Cardiovascular phenotype. Identifiers: MedGen CN230736.

Allele frequency attached by ClinVar (database versions not stated): gnomAD 0.00001; gnomAD exomes 0.00001; TOPMed 0.00001; ExAC 0.00003.
gnomAD v4.1: 22 of 1,614,048 alleles (0.0014%); highest among the groups gnomAD compares: South Asian, 0.0099%; no homozygotes.

Submissions (3):

Labcorp Genetics (formerly Invitae), Labcorp
Classification: Uncertain significance for Long QT syndrome. Last evaluated: 2024-07-19. Review status: criteria provided, single submitter. Criteria: Invitae Variant Classification Sherloc (09022015). Collection method: clinical testing. Allele origin: germline.
Comment: This sequence change replaces arginine, which is basic and polar, with histidine, which is basic and polar, at codon 3358 of the AKAP9 protein (p.Arg3358His). This variant is present in population databases (rs776193956, gnomAD 0.02%). This variant has not been reported in the literature in individuals affected with AKAP9-related conditions. ClinVar contains an entry for this variant (Variation ID: 1987562). An algorithm developed to predict the effect of missense changes on protein structure and function (PolyPhen-2) suggests that this variant is likely to be disruptive. In summary, the available evidence is currently insufficient to determine the role of this variant in disease. Therefore, it has been classified as a Variant of Uncertain Significance.

Ambry Genetics
Classification: Benign for Cardiovascular phenotype. Last evaluated: 2024-01-07. Review status: criteria provided, single submitter. Criteria: Ambry Variant Classification Scheme 2023. Collection method: clinical testing. Allele origin: germline.

Blueprint Genetics
Classification: Likely benign. Last evaluated: 2021-03-23. Review status: criteria provided, single submitter. Criteria: ACMG Guidelines, 2015. Collection method: clinical testing. Allele origin: germline.

NM_005751.5(AKAP9):c.10073G>A (p.Arg3358His)

Gene: AKAP9 (A-kinase anchoring protein 9; plus strand). Cytogenetic location: 7q21.2.
Variant type: single nucleotide variant.
Coding change: c.10073G>A on transcript NM_005751.5 (MANE Select); coding-DNA position 10073, G replaced by A.
Protein change: p.Arg3358His; replaces arginine 3358 with histidine.
Molecular consequence: missense variant.
Genome position (GRCh38, 1-based): chr7:92,097,032, G>A. VCF-style: chr7-92097032-G-A. GRCh37 (hg19) VCF-style: chr7-91726346-G-A.
Other names: c.4718G>A, p.Arg1573His (NM_001379277.1); c.10049G>A, p.Arg3350His (NM_147185.3); short protein forms R3350H, R1573H, R3358H.
Identifiers: ClinVar variation 1987562 (VCV001987562.6), dbSNP rs776193956, ClinGen allele CA4337893.
Genomic context (GRCh38, chr7:92,097,032, plus strand): 5'-CCTTGCCCTCAGAGGACCTACTGAAAGAGCTGCAGAAACAGCTAGAGGAAAAACACAGTC[G>A]CATAGTAGAATTGTTAAATGAGACTGAAAAATATAAACTGGATTCTTTGCAAACACGACA-3'
Protein context (NP_005742.4, residues 3348-3368): LQKQLEEKHS[Arg3358His]IVELLNETEK